The following is an entry in ClinVar:

ClinVar aggregate classification (germline): Uncertain significance (1 of 4 stars; one submission).

Conditions:
CODAS syndrome. Also called: CEREBRAL, OCULAR, DENTAL, AURICULAR, AND SKELETAL ANOMALIES SYNDROME. Identifiers: Orphanet 1458, MedGen C1838180, MONDO:0010879, OMIM 600373.

Submission:

MVZ Medizinische Genetik Mainz
Classification: Uncertain significance for CODAS syndrome. Last evaluated: 2021-09-30. Review status: criteria provided, single submitter. Criteria: UK Practice Guidelines For Variant Classification V4 01 2020. Collection method: clinical testing. Allele origin: germline. Inheritance: Autosomal recessive inheritance. Affected: yes. Observed: 1 variant allele.
Comment: ACMG Criteria: PM2_SUP, PP3

NM_004793.4(LONP1):c.1409G>T (p.Trp470Leu)

Gene: LONP1 (lon peptidase 1, mitochondrial; minus strand). Cytogenetic location: 19p13.3.
Variant type: single nucleotide variant.
Coding change: c.1409G>T on transcript NM_004793.4 (MANE Select); coding-DNA position 1409, G replaced by T.
Protein change: p.Trp470Leu; replaces tryptophan 470 with leucine.
Molecular consequence: missense variant. On other transcripts: non-coding transcript variant (1).
Genome position (GRCh38, 1-based): chr19:5,700,886, C>A on the plus strand (G>T on the coding strand, the complement: LONP1 is on the minus strand). VCF-style: chr19-5700886-C-A. GRCh37 (hg19) VCF-style: chr19-5700897-C-A.
Other names: c.1217G>T, p.Trp406Leu (NM_001276479.2); c.821G>T, p.Trp274Leu (NM_001276480.1); short protein forms W274L, W406L, W470L.
Identifiers: ClinVar variation 3235234 (VCV003235234.1), dbSNP rs2512399718.